The following is an entry in ClinVar:

ClinVar aggregate classification (germline): Uncertain significance (1 of 4 stars; one submission).

Conditions:
Epidermolysis bullosa simplex 3, localized or generalized intermediate, with BP230 deficiency (EBS3). Also called: Epidermolysis bullosa simplex, autosomal recessive 2; Epidermolysis bullosa simplex due to BP230 deficiency. Identifiers: Orphanet 412181, MedGen C3809470, MONDO:0014180, OMIM 615425.
Hereditary sensory and autonomic neuropathy type 6. Also called: Neuropathy, hereditary sensory and autonomic, type VI; HSAN VI. Identifiers: Orphanet 314381, MedGen C3539003, MONDO:0013839, OMIM 614653.

gnomAD v4.1: 1 of 1,614,192 alleles (0.000062%); highest among the groups gnomAD compares: East Asian, 0.0022%; no homozygotes.

Submission:

Labcorp Genetics (formerly Invitae), Labcorp
Classification: Uncertain significance for Epidermolysis bullosa simplex 3, localized or generalized intermediate, with BP230 deficiency; Hereditary sensory and autonomic neuropathy type 6. Last evaluated: 2024-10-15. Review status: criteria provided, single submitter. Criteria: Invitae Variant Classification Sherloc (09022015). Collection method: clinical testing. Allele origin: germline.
Comment: This sequence change replaces aspartic acid, which is acidic and polar, with asparagine, which is neutral and polar, at codon 2491 of the DST protein (p.Asp2491Asn). This variant is not present in population databases (gnomAD no frequency). This variant has not been reported in the literature in individuals affected with DST-related conditions. ClinVar contains an entry for this variant (Variation ID: 961236). An algorithm developed to predict the effect of missense changes on protein structure and function (PolyPhen-2) suggests that this variant is likely to be disruptive. In summary, the available evidence is currently insufficient to determine the role of this variant in disease. Therefore, it has been classified as a Variant of Uncertain Significance.

NM_001723.7(DST):c.7471G>A (p.Asp2491Asn)

Gene: DST (dystonin; minus strand). Cytogenetic location: 6p12.1.
Variant type: single nucleotide variant.
Coding change: c.7471G>A on transcript NM_001723.7 (MANE Plus Clinical); coding-DNA position 7471, G replaced by A.
Protein change: p.Asp2491Asn; replaces aspartic acid 2491 with asparagine.
Molecular consequence: missense variant. On other transcripts: intron variant (10).
Genome position (GRCh38, 1-based): chr6:56,615,996, C>T on the plus strand (G>A on the coding strand, the complement: DST is on the minus strand). VCF-style: chr6-56615996-C-T. GRCh37 (hg19) VCF-style: chr6-56480794-C-T.
Other names: c.4831-1512G>A (NM_001144769.5); c.4930-1512G>A (NM_001374722.1, NM_001374736.1); c.4957-1512G>A (NM_001374734.1); c.4417-1512G>A (NM_001144770.2); c.4297-1512G>A (NM_001374730.1, NM_001386100.1, NM_183380.4 and 1 more transcripts); c.3319-1512G>A (NM_015548.5); short protein forms D2491N.
Identifiers: ClinVar variation 961236 (VCV000961236.10), dbSNP rs772179591, ClinGen allele CA364562925.